The following is an entry in ClinVar:

ClinVar aggregate classification (germline): Likely benign. Review status: criteria provided, multiple submitters, no conflicts (2 of 4 stars). 2 submissions from 2 submitters: Likely benign (2). Last evaluated 2024-05-23.

gnomAD v4.1: 7 of 1,614,046 alleles (0.00043%); highest among the groups gnomAD compares: East Asian, 0.013%; no homozygotes.

Submissions (2):

Labcorp Genetics (formerly Invitae), Labcorp
Classification: Likely benign. Last evaluated: 2024-05-23. Review status: criteria provided, single submitter. Criteria: Invitae Variant Classification Sherloc (09022015). Collection method: clinical testing. Allele origin: germline.

Laboratory for Molecular Medicine, Mass General Brigham Personalized Medicine
Classification: Likely benign. Last evaluated: 2012-08-14. Review status: criteria provided, single submitter. Criteria: LMM Criteria. Collection method: clinical testing. Allele origin: germline. Observed: 1 variant allele.
Comment: Gly1162Gly in exon 30 of CDH23: This variant is not expected to have clinical si gnificance because it does not alter an amino acid residue and is not located wi thin the splice consensus sequence.

NM_022124.6(CDH23):c.3486G>T (p.Gly1162=)

Genes: C10orf105 (chromosome 10 open reading frame 105; minus strand), CDH23 (cadherin related 23; plus strand). Cytogenetic location: 10q22.1.
Variant type: single nucleotide variant.
Coding change: c.3486G>T on transcript NM_022124.6 (MANE Select); coding-DNA position 3486, G replaced by T.
Protein change: p.Gly1162=; no amino-acid change (glycine 1162 retained).
Molecular consequence: synonymous variant. On other transcripts: intron variant (1).
Genome position (GRCh38, 1-based): chr10:71,725,427, G>T. VCF-style: chr10-71725427-G-T. GRCh37 (hg19) VCF-style: chr10-73485184-G-T.
Other names: c.3486G>T, p.Gly1162= (NM_001171930.2); c.-5-9085C>A (NM_001168390.2).
Identifiers: ClinVar variation 45921 (VCV000045921.15), dbSNP rs397517324, ClinGen allele CA137378.
Genomic context (GRCh38, chr10:71,725,427, plus strand): 5'-CACAGGTAACCATGGCAACAACTTCCGGATCCATGTCAGCAATGGGCTCCTGATGCGAGG[G>T]CCCCGGCCCCTGGACCGGGAGCGGAACTCATCCCACGTGCTGATAGTGGAGGCCTACAAC-3'
Protein context (NP_071407.4, residues 1152-1172): IHVSNGLLMR[Gly1162=]PRPLDRERNS